The following is an entry in ClinVar:

ClinVar aggregate classification (germline): Uncertain significance (1 of 4 stars; one submission).

Conditions:
Myofibrillar myopathy 6. Identifiers: Orphanet 199340, MedGen C2751831, MONDO:0013061, OMIM 612954.
Dilated cardiomyopathy 1HH (CMD1HH). Identifiers: Orphanet 154, MedGen C3151293, MONDO:0013479, OMIM 613881.

Submission:

Labcorp Genetics (formerly Invitae), Labcorp
Classification: Uncertain significance for Dilated cardiomyopathy 1HH; Myofibrillar myopathy 6. Last evaluated: 2021-09-10. Review status: criteria provided, single submitter. Criteria: Invitae Variant Classification Sherloc (09022015). Collection method: clinical testing. Allele origin: germline.
Comment: Algorithms developed to predict the effect of missense changes on protein structure and function are either unavailable or do not agree on the potential impact of this missense change (SIFT: "Deleterious"; PolyPhen-2: "Not Available"; Align-GVGD: "Class C0"). This variant has not been reported in the literature in individuals affected with BAG3-related conditions. This variant is not present in population databases (ExAC no frequency). This sequence change replaces lysine with methionine at codon 534 of the BAG3 protein (p.Lys534Met). The lysine residue is moderately conserved and there is a moderate physicochemical difference between lysine and methionine. In summary, the available evidence is currently insufficient to determine the role of this variant in disease. Therefore, it has been classified as a Variant of Uncertain Significance.

NM_004281.4(BAG3):c.1601A>T (p.Lys534Met)

Gene: BAG3 (BAG cochaperone 3; plus strand). Cytogenetic location: 10q26.11.
Variant type: single nucleotide variant.
Coding change: c.1601A>T on transcript NM_004281.4 (MANE Select); coding-DNA position 1601, A replaced by T.
Protein change: p.Lys534Met; replaces lysine 534 with methionine.
Molecular consequence: missense variant.
Genome position (GRCh38, 1-based): chr10:119,677,155, A>T. VCF-style: chr10-119677155-A-T. GRCh37 (hg19) VCF-style: chr10-121436667-A-T.
Other names: short protein forms K534M.
Identifiers: ClinVar variation 1504569 (VCV001504569.6), dbSNP rs2134069486, ClinGen allele CA378297674.